The following is an entry in ClinVar:

ClinVar aggregate classification (germline): Uncertain significance (1 of 4 stars; one submission).

Conditions:
Hereditary cancer-predisposing syndrome. Also called: Hereditary neoplastic syndrome; Neoplastic Syndromes, Hereditary; Tumor predisposition; Hereditary Cancer Syndrome. Identifiers: Orphanet 140162, MedGen C0027672, MeSH D009386, MONDO:0015356.

Submission:

Ambry Genetics
Classification: Uncertain significance for Hereditary cancer-predisposing syndrome. Last evaluated: 2024-12-20. Review status: criteria provided, single submitter. Criteria: Ambry Variant Classification Scheme 2023. Collection method: clinical testing. Allele origin: germline.
Comment: The c.1509+5C>T intronic variant results from a C to T substitution 5 nucleotides after coding exon 8 in the DICER1 gene. This nucleotide position is not well conserved in available vertebrate species. In silico splice site analysis predicts that this alteration will not have any significant effect on splicing. Based on the available evidence, the clinical significance of this variant remains unclear.

NM_177438.3(DICER1):c.1509+5C>T

Gene: DICER1 (dicer 1, ribonuclease III; minus strand). Cytogenetic location: 14q32.13.
Variant type: single nucleotide variant.
Coding change: c.1509+5C>T on transcript NM_177438.3 (MANE Select); 5 bases into the intron after coding-DNA position 1509, C replaced by T.
Molecular consequence: intron variant.
Genome position (GRCh38, 1-based): chr14:95,117,617, G>A on the plus strand (C>T on the coding strand, the complement: DICER1 is on the minus strand). VCF-style: chr14-95117617-G-A. GRCh37 (hg19) VCF-style: chr14-95583954-G-A.
Other names: c.1509+5C>T (NM_001291628.2, NM_030621.4, NM_001395677.1 and 12 more transcripts); c.1104+5C>T (NM_001395690.1, NM_001395687.1, NM_001395689.1 and 3 more transcripts); c.1227+5C>T (NM_001395686.1); c.942+5C>T (NM_001395691.1); c.-60+5C>T (NM_001395697.1).
Identifiers: ClinVar variation 3839980 (VCV003839980.1).